The following is an entry in ClinVar:

ClinVar aggregate classification (germline): Uncertain significance. Review status: criteria provided, multiple submitters, no conflicts (2 of 4 stars). 2 submissions from 2 submitters: Uncertain significance (2). Last evaluated 2025-10-21.

Conditions:
Hereditary cancer-predisposing syndrome. Also called: Tumor predisposition; Hereditary Cancer Syndrome; Hereditary neoplastic syndrome; Neoplastic Syndromes, Hereditary. Identifiers: Orphanet 140162, MedGen C0027672, MeSH D009386, MONDO:0015356.

gnomAD v4.1: 1 of 1,613,670 alleles (0.000062%); no homozygotes.

Submissions (2):

Labcorp Genetics (formerly Invitae), Labcorp
Classification: Uncertain significance. Last evaluated: 2025-10-21. Review status: criteria provided, single submitter. Criteria: Invitae Variant Classification Sherloc (09022015). Collection method: clinical testing. Allele origin: germline.
Comment: This sequence change replaces alanine, which is neutral and non-polar, with valine, which is neutral and non-polar, at codon 241 of the POLE protein (p.Ala241Val). This variant is not present in population databases (gnomAD no frequency). This variant has not been reported in the literature in individuals affected with POLE-related conditions. ClinVar contains an entry for this variant (Variation ID: 1967122). An algorithm developed to predict the effect of missense changes on protein structure and function (PolyPhen-2) suggests that this variant is likely to be disruptive. In summary, the available evidence is currently insufficient to determine the role of this variant in disease. Therefore, it has been classified as a Variant of Uncertain Significance.

Ambry Genetics
Classification: Uncertain significance for Hereditary cancer-predisposing syndrome. Last evaluated: 2024-11-18. Review status: criteria provided, single submitter. Criteria: Ambry Variant Classification Scheme 2023. Collection method: clinical testing. Allele origin: germline.
Comment: The p.A241V variant (also known as c.722C>T), located in coding exon 8 of the POLE gene, results from a C to T substitution at nucleotide position 722. The alanine at codon 241 is replaced by valine, an amino acid with similar properties. This amino acid position is conserved. In addition, the in silico prediction for this alteration is inconclusive. Based on the available evidence, the clinical significance of this variant remains unclear.

NM_006231.4(POLE):c.722C>T (p.Ala241Val)

Gene: POLE (DNA polymerase epsilon, catalytic subunit; minus strand). Cytogenetic location: 12q24.33.
Variant type: single nucleotide variant.
Coding change: c.722C>T on transcript NM_006231.4 (MANE Select); coding-DNA position 722, C replaced by T.
Protein change: p.Ala241Val; replaces alanine 241 with valine.
Molecular consequence: missense variant.
Genome position (GRCh38, 1-based): chr12:132,677,442, G>A on the plus strand (C>T on the coding strand, the complement: POLE is on the minus strand). VCF-style: chr12-132677442-G-A. GRCh37 (hg19) VCF-style: chr12-133254028-G-A.
Other names: c.722C>T (NM_006231.2); short protein forms A241V.
Identifiers: ClinVar variation 1967122 (VCV001967122.6), dbSNP rs2043079700, ClinGen allele CA387364562.